The following is an entry in ClinVar:

NM_016138.5(COQ7):c.238G>A (p.Gly80Arg)

Gene: COQ7 (coenzyme Q7, hydroxylase; plus strand). Cytogenetic location: 16p12.3.
Variant type: single nucleotide variant.
Coding change: c.238G>A on transcript NM_016138.5 (MANE Select); coding-DNA position 238, G replaced by A.
Protein change: p.Gly80Arg; replaces glycine 80 with arginine.
Molecular consequence: missense variant. On other transcripts: non-coding transcript variant (3).
Genome position (GRCh38, 1-based): chr16:19,072,092, G>A. VCF-style: chr16-19072092-G-A. GRCh37 (hg19) VCF-style: chr16-19083414-G-A.
Other names: c.124G>A, p.Gly42Arg (NM_001190983.2, NM_001370492.1, NM_001370493.1 and 2 more transcripts); c.196G>A, p.Gly66Arg (NM_001370489.1, NM_001370491.1); c.238G>A, p.Gly80Arg (NM_001370490.1); short protein forms G80R, G42R, G66R.
Identifiers: ClinVar variation 1380417 (VCV001380417.5), dbSNP rs35773045, ClinGen allele CA7932927.

ClinVar aggregate classification (germline): Uncertain significance (1 of 4 stars; one submission).

Allele frequency attached by ClinVar (database versions not stated): 1000 Genomes Project 30x 0.00031.

Submission:

Labcorp Genetics (formerly Invitae), Labcorp
Classification: Uncertain significance. Last evaluated: 2024-10-15. Review status: criteria provided, single submitter. Criteria: Invitae Variant Classification Sherloc (09022015). Collection method: clinical testing. Allele origin: germline.
Comment: This sequence change replaces glycine, which is neutral and non-polar, with arginine, which is basic and polar, at codon 80 of the COQ7 protein (p.Gly80Arg). This variant is present in population databases (rs35773045, gnomAD 0.08%). This variant has not been reported in the literature in individuals affected with COQ7-related conditions. ClinVar contains an entry for this variant (Variation ID: 1380417). An algorithm developed to predict the effect of missense changes on protein structure and function (PolyPhen-2) suggests that this variant¬†is likely to be tolerated. In summary, the available evidence is currently insufficient to determine the role of this variant in disease. Therefore, it has been classified as a Variant of Uncertain Significance.